The following is an entry in ClinVar:

NM_000426.4(LAMA2):c.8547+241T>C

Gene: LAMA2 (laminin subunit alpha 2; plus strand). Cytogenetic location: 6q22.33.
Variant type: single nucleotide variant.
Coding change: c.8547+241T>C on transcript NM_000426.4 (MANE Select); 241 bases into the intron after coding-DNA position 8547, T replaced by C.
Molecular consequence: intron variant.
Genome position (GRCh38, 1-based): chr6:129,503,521, T>C. VCF-style: chr6-129503521-T-C. GRCh37 (hg19) VCF-style: chr6-129824666-T-C.
Other names: c.8535+241T>C (NM_001079823.2).
Identifiers: ClinVar variation 677670 (VCV000677670.1), dbSNP rs113987938, ClinGen allele CA146923969.

ClinVar aggregate classification (germline): Likely benign (1 of 4 stars; one submission).

Allele frequency attached by ClinVar (database versions not stated): 1000 Genomes Project 0.00359; gnomAD 0.00828 and 0.00861; TOPMed 0.00838; 1000 Genomes Project 30x 0.00312.
gnomAD v4.1: 1,264 of 152,346 alleles (0.83%); highest among the groups gnomAD compares: Non-Finnish European, 1.4%; 11 homozygotes.

Submission:

GeneDx
Classification: Likely benign. Last evaluated: 2018-06-16. Review status: criteria provided, single submitter. Criteria: GeneDx Variant Classification (06012015). Collection method: clinical testing. Allele origin: germline. Affected: yes.
Comment: This variant is considered likely benign or benign based on one or more of the following criteria: it is a conservative change, it occurs at a poorly conserved position in the protein, it is predicted to be benign by multiple in silico algorithms, and/or has population frequency not consistent with disease.